The following is an entry in ClinVar:

NM_001367624.2(ZNF469):c.301C>T (p.Pro101Ser)

Gene: ZNF469 (zinc finger protein 469; plus strand). Cytogenetic location: 16q24.2.
Variant type: single nucleotide variant.
Coding change: c.301C>T on transcript NM_001367624.2 (MANE Select); coding-DNA position 301, C replaced by T.
Protein change: p.Pro101Ser; replaces proline 101 with serine.
Molecular consequence: missense variant.
Genome position (GRCh38, 1-based): chr16:88,427,771, C>T. VCF-style: chr16-88427771-C-T. GRCh37 (hg19) VCF-style: chr16-88494179-C-T.
Other names: p.Pro101Ser; short protein forms P101S.
Identifiers: ClinVar variation 4542053 (VCV004542053.1).
Genomic context (GRCh38, chr16:88,427,771, plus strand): 5'-CAGGCCCCGAGCAGCACCCCTGGGAAGAGGGGCAGCCCCCAGACCCCACCGGGGAGAAGC[C>T]CCTTGCAGGCTCCCTCAAGGCTGGCGGGCAGGGCAGAGGGCAGCCCCCCACAGCGCTACA-3'
Protein context (NP_001354553.1, residues 91-111): GSPQTPPGRS[Pro101Ser]LQAPSRLAGR

ClinVar aggregate classification (germline): Uncertain significance (1 of 4 stars; one submission).

gnomAD v4.1: 2 of 1,546,244 alleles (0.00013%); highest among the groups gnomAD compares: Non-Finnish European, 0.00017%; no homozygotes.

Submission:

Mayo Clinic Laboratories, Mayo Clinic
Classification: Uncertain significance. Last evaluated: 2025-12-05. Review status: criteria provided, single submitter. Criteria: ACMG Guidelines, 2015. Collection method: clinical testing. Allele origin: germline. Observed: 1 variant allele.
Comment: BP4_moderate, PM2_supporting